The following is an entry in ClinVar:

NM_023110.3(FGFR1):c.1709G>A (p.Arg570Gln)

Gene: FGFR1 (fibroblast growth factor receptor 1; minus strand). Cytogenetic location: 8p11.23.
Variant type: single nucleotide variant.
Coding change: c.1709G>A on transcript NM_023110.3 (MANE Select); coding-DNA position 1709, G replaced by A.
Protein change: p.Arg570Gln; replaces arginine 570 with glutamine.
Molecular consequence: missense variant.
Genome position (GRCh38, 1-based): chr8:38,416,015, C>T on the plus strand (G>A on the coding strand, the complement: FGFR1 is on the minus strand). VCF-style: chr8-38416015-C-T. GRCh37 (hg19) VCF-style: chr8-38273533-C-T.
Other names: c.1709G>A, p.Arg570Gln (NM_000604.2); c.1703G>A, p.Arg568Gln (NM_001174063.2, NM_001174065.2, NM_001354367.2 and 1 more transcripts); c.1679G>A, p.Arg560Gln (NM_001174064.2); c.1442G>A, p.Arg481Gln (NM_001174066.2, NM_023105.3); c.1802G>A, p.Arg601Gln (NM_001174067.2); c.1430G>A, p.Arg477Gln (NM_001354368.2); c.1697G>A, p.Arg566Gln (NM_001354369.2, NM_001410922.1); c.1436G>A, p.Arg479Gln (NM_001354370.2, NM_023106.3); short protein forms R477Q, R479Q, R481Q, R560Q, R566Q, R568Q, R570Q, R601Q.
Identifiers: ClinVar variation 2580728 (VCV002580728.1), dbSNP rs1399523084, ClinGen allele CA370731833.
Genomic context (GRCh38, chr8:38,416,015, plus strand): 5'-TTGTGGCTGGGGTTGTAGCAGTATTCCAGCCCTGGGGGCCTCCGGGCCTGCAGGTACTCC[C>T]GCAGGTTGCCCTTGGAGGCATACTCCACGATGACATACAAGGGACCTGCAGGCACAGGAG-3'
Protein context (NP_075598.2, residues 560-580): IVEYASKGNL[Arg570Gln]EYLQARRPPG

ClinVar aggregate classification (germline): Uncertain significance (1 of 4 stars; one submission).

Allele frequency attached by ClinVar (database versions not stated): gnomAD exomes below 0.00001.
gnomAD v4.1: 2 of 1,613,736 alleles (0.00012%); highest among the groups gnomAD compares: Non-Finnish European, 0.00017%; no homozygotes.

Submission:

GeneDx
Classification: Uncertain significance. Last evaluated: 2023-03-24. Review status: criteria provided, single submitter. Criteria: GeneDx Variant Classification Process June 2021. Collection method: clinical testing. Allele origin: germline. Affected: yes.
Comment: Not observed at significant frequency in large population cohorts (gnomAD); In silico analysis supports that this missense variant has a deleterious effect on protein structure/function; Has not been previously published as pathogenic or benign to our knowledge